The following is an entry in ClinVar:

NM_000202.8(IDS):c.1009del (p.Trp337fs)

Genes: IDS (iduronate 2-sulfatase; minus strand), LOC106050102 (IDS recombination region; plus strand). Cytogenetic location: Xq28.
Variant type: Deletion.
Coding change: c.1009del on transcript NM_000202.8 (MANE Select); coding-DNA position 1009, one base deleted (T; older notation c.1009delT).
Protein change: p.Trp337fs; shifts the reading frame from tryptophan 337.
Molecular consequence: frameshift variant.
Genome position (GRCh38, 1-based): chrX:149,487,096, A deleted on the plus strand (T on the coding strand, the reverse complement: IDS is on the minus strand). VCF-style (leftmost placement, unchanged base first): chrX-149487095-CA-C. GRCh37 (hg19) VCF-style: chrX-148568626-CA-C.
Other names: c.739del, p.Trp247fs (NM_001166550.4); short protein forms W247fs, W337fs.
Identifiers: ClinVar variation 3255917 (VCV003255917.2).
Genomic context (GRCh38, chrX:149,487,095, plus strand): 5'-ACATGGGTAGCAACATCAAAATTGCTGTATTTGGCCCATTCTCCATGTTCACCTAGAGCC[CA>C]CCCTAGTTCATAAAAAGCACAGAATGACAGAAAATGAATAATCATCATACCACAGCTTGT-3'

ClinVar aggregate classification (germline): Pathogenic (1 of 4 stars; one submission).

Conditions:
Mucopolysaccharidosis, MPS-II (MPS2). Also called: Hunter Syndrome; IDURONATE 2-SULFATASE DEFICIENCY; Mucopolysaccharidosis Type II; Mucopolysaccharidosis type 2; Attenuated MPS (subtype; formerly known as mild MPS II); Severe MPS II. Identifiers: Orphanet 580, Orphanet 79388, MedGen C0026705, MONDO:0010674, OMIM 309900.

Submission:

Laboratory of Diagnosis and Therapy of Lysosomal Disorders, University of Padova
Classification: Pathogenic for Mucopolysaccharidosis, MPS-II. Last evaluated: 2024-06-07. Review status: criteria provided, single submitter. Criteria: ACMG Guidelines, 2015. Collection method: literature only. Allele origin: germline. Affected: yes. Observed: 2 variant alleles.
Comment: Null variant (PVS1_VeryStrong), Absent from controls (or at low frequency) in gnomAD database (PM2_Moderate), Patient’s phenotype or family history highly specific for the disease (PP4_Moderate)

Classification method: ACMG Guidelines [PMID:25741868] with modifications

Literature cited by the submitters: PubMed 35916809.